The following is an entry in ClinVar:

ClinVar aggregate classification (germline): Uncertain significance (1 of 4 stars; one submission).

Allele frequency attached by ClinVar (database versions not stated): gnomAD 0.00002 and 0.00003; gnomAD exomes 0.00002; TOPMed 0.00002; ExAC 0.00003; ESP Exome Variant Server 0.00008; 1000 Genomes Project 30x 0.00016; 1000 Genomes Project 0.00020.
gnomAD v4.1: 28 of 1,613,898 alleles (0.0017%); highest among the groups gnomAD compares: East Asian, 0.0022%; no homozygotes.

Submission:

Labcorp Genetics (formerly Invitae), Labcorp
Classification: Uncertain significance. Last evaluated: 2025-08-21. Review status: criteria provided, single submitter. Criteria: Invitae Variant Classification Sherloc (09022015). Collection method: clinical testing. Allele origin: germline.
Comment: This sequence change replaces valine, which is neutral and non-polar, with isoleucine, which is neutral and non-polar, at codon 694 of the LRP5 protein (p.Val694Ile). This variant is present in population databases (rs141796804, gnomAD 0.005%). This variant has not been reported in the literature in individuals affected with LRP5-related conditions. ClinVar contains an entry for this variant (Variation ID: 850040). Invitae Evidence Modeling of protein sequence and biophysical properties (such as structural, functional, and spatial information, amino acid conservation, physicochemical variation, residue mobility, and thermodynamic stability) indicates that this missense variant is not expected to disrupt LRP5 protein function with a negative predictive value of 95%. In summary, the available evidence is currently insufficient to determine the role of this variant in disease. Therefore, it has been classified as a Variant of Uncertain Significance.

NM_002335.4(LRP5):c.2080G>A (p.Val694Ile)

Gene: LRP5 (LDL receptor related protein 5; plus strand). Cytogenetic location: 11q13.2.
Variant type: single nucleotide variant.
Coding change: c.2080G>A on transcript NM_002335.4 (MANE Select); coding-DNA position 2080, G replaced by A.
Protein change: p.Val694Ile; replaces valine 694 with isoleucine.
Molecular consequence: missense variant.
Genome position (GRCh38, 1-based): chr11:68,406,802, G>A. VCF-style: chr11-68406802-G-A. GRCh37 (hg19) VCF-style: chr11-68174270-G-A.
Other names: c.337G>A, p.Val113Ile (NM_001291902.2); short protein forms V113I, V694I.
Identifiers: ClinVar variation 850040 (VCV000850040.10), dbSNP rs141796804, ClinGen allele CA6149519.
Genomic context (GRCh38, chr11:68,406,802, plus strand): 5'-GTCAAGGAGGCCTCAGCCCTGGACTTTGATGTGTCCAACAACCACATCTACTGGACAGAC[G>A]TCAGCCTGAAGGTAGCGTGGGCCAGAACGTGCACACAGGCAGCCTTTATGGGAAAACCTT-3'
Protein context (NP_002326.2, residues 684-704): VSNNHIYWTD[Val694Ile]SLKTISRAFM